The following is an entry in ClinVar:

NM_000520.6(HEXA):c.1421+3A>T

Gene: HEXA (hexosaminidase subunit alpha; minus strand). Cytogenetic location: 15q23.
Variant type: single nucleotide variant.
Coding change: c.1421+3A>T on transcript NM_000520.6 (MANE Select); 3 bases into the intron after coding-DNA position 1421, A replaced by T.
Molecular consequence: intron variant.
Genome position (GRCh38, 1-based): chr15:72,346,232, T>A on the plus strand (A>T on the coding strand, the complement: HEXA is on the minus strand). VCF-style: chr15-72346232-T-A. GRCh37 (hg19) VCF-style: chr15-72638573-T-A.
Other names: c.1454+3A>T (NM_001318825.2).
Identifiers: ClinVar variation 2187843 (VCV002187843.4), dbSNP rs2088611168, ClinGen allele CA491115367.
Genomic context (GRCh38, chr15:72,346,232, plus strand): 5'-GTCTCTAAGGGAGAACTCCTGCTCTCAGGCCCAACCCTCCACCTCCCCCCCGAAAACCCT[T>A]ACCAGAGCCTGGGGACCAGGTTTGTGTTGTCCACATATTCTCCCCACATACAAGCCTCTC-3'

ClinVar aggregate classification (germline): Uncertain significance (1 of 4 stars; one submission).

Conditions:
Tay-Sachs disease (TSD). Also called: GM2 gangliosidosis, type 1; Hexosaminidase alpha-subunit deficiency (variant B); Sphingolipidosis, Tay-Sachs; HEXA DEFICIENCY; Hexosaminidase A Deficiency; HEXA Disorders. Identifiers: Orphanet 845, MedGen C0039373, MONDO:0010100, OMIM 272800.

Allele frequency attached by ClinVar (database versions not stated): TOPMed below 0.00001.

Submission:

Labcorp Genetics (formerly Invitae), Labcorp
Classification: Uncertain significance for Tay-Sachs disease. Last evaluated: 2022-08-17. Review status: criteria provided, single submitter. Criteria: Invitae Variant Classification Sherloc (09022015). Collection method: clinical testing. Allele origin: germline.
Comment: This sequence change falls in intron 12 of the HEXA gene. It does not directly change the encoded amino acid sequence of the HEXA protein. It affects a nucleotide within the consensus splice site. This variant is not present in population databases (gnomAD no frequency). This variant has not been reported in the literature in individuals affected with HEXA-related conditions. Variants that disrupt the consensus splice site are a relatively common cause of aberrant splicing (PMID: 17576681, 9536098). Algorithms developed to predict the effect of sequence changes on RNA splicing suggest that this variant may disrupt the consensus splice site. In summary, the available evidence is currently insufficient to determine the role of this variant in disease. Therefore, it has been classified as a Variant of Uncertain Significance.

Literature cited by the submitters: PubMed 17576681; PubMed 9536098.